The following is an entry in ClinVar:

ClinVar aggregate classification (germline): Uncertain significance (1 of 4 stars; one submission).

Conditions:
Familial adenomatous polyposis 1 (FAP1). Also called: FAMILIAL ADENOMATOUS POLYPOSIS 1, ATTENUATED; POLYPOSIS, ADENOMATOUS INTESTINAL. Identifiers: MedGen C2713442, MONDO:0021056, OMIM 175100. Disease mechanism: loss of function.

Submission:

Labcorp Genetics (formerly Invitae), Labcorp
Classification: Uncertain significance for Familial adenomatous polyposis 1. Last evaluated: 2022-07-19. Review status: criteria provided, single submitter. Criteria: Invitae Variant Classification Sherloc (09022015). Collection method: clinical testing. Allele origin: germline.
Comment: In summary, the available evidence is currently insufficient to determine the role of this variant in disease. Therefore, it has been classified as a Variant of Uncertain Significance. Experimental studies and prediction algorithms are not available or were not evaluated, and the functional significance of this variant is currently unknown. This variant has not been reported in the literature in individuals affected with APC-related conditions. This variant is not present in population databases (gnomAD no frequency). This variant occurs in a non-coding region of the APC gene. It does not change the encoded amino acid sequence of the APC protein.

NM_001127511.3(APC):c.-28G>T

Gene: APC (APC regulator of Wnt signaling pathway; plus strand). Cytogenetic location: 5q22.2.
Variant type: single nucleotide variant.
Coding change: c.-28G>T on transcript NM_001127511.3; 28 bases upstream of the start codon, G replaced by T.
Molecular consequence: 5 prime UTR variant. On other transcripts: non-coding transcript variant (1), intron variant (5).
Genome position (GRCh38, 1-based): chr5:112,707,690, G>T. VCF-style: chr5-112707690-G-T. GRCh37 (hg19) VCF-style: chr5-112043387-G-T.
Other names: c.-211G>T (NM_001354895.2, NM_001407447.1, NM_001407452.1 and 3 more transcripts); c.-28G>T (NM_001354897.2, NM_001354902.2, NM_001407446.1); c.-1246G>T (NM_001407470.1, NM_001407472.1); c.-19+41G>T (NM_001407448.1, NM_001407450.1, NM_001407457.1 and 1 more transcripts); c.-43+41G>T (NM_001407453.1).
Identifiers: ClinVar variation 1001475 (VCV001001475.9), dbSNP rs1580996638, ClinGen allele CA1573442637.
Genomic context (GRCh38, chr5:112,707,690, plus strand): 5'-TGGCTCGATGCTGTTCCCAGGTACTGTTGTTGGCTGTTGGTGAGGAAGGTGAAGCACTCA[G>T]TTGCCTTCTCGGGCCTCGGCGCCCCCTATGTACGCCTCCCTGGGCTCGGGTCCGGTCGCC-3'